The following is an entry in ClinVar:

NM_000182.5(HADHA):c.566_567delinsA (p.Pro189fs)

Gene: HADHA (hydroxyacyl-CoA dehydrogenase trifunctional multienzyme complex subunit alpha; minus strand). Cytogenetic location: 2p23.3.
Variant type: Indel.
Coding change: c.566_567delinsA on transcript NM_000182.5 (MANE Select); coding-DNA positions 566 to 567, CC replaced by A.
Protein change: p.Pro189fs; shifts the reading frame from proline 189.
Molecular consequence: frameshift variant.
Genome position (GRCh38, 1-based): chr2:26,232,166-26,232,167, GG replaced by T on the plus strand (CC replaced by A on the coding strand, the reverse complement: HADHA is on the minus strand). VCF-style: chr2-26232166-GG-T. GRCh37 (hg19) VCF-style: chr2-26455034-GG-T.
Other names: short protein forms P189fs.
Identifiers: ClinVar variation 1725386 (VCV001725386.3), dbSNP rs2465595773, ClinGen allele CA2580066264.
Genomic context (GRCh38, chr2:26,232,166, plus strand): 5'-AGAAAACAGATCTAAAGAGGGCATATAGCTTCACAAAGGGGATGTTAGACTCACCATTTT[GG>T]GCAGCCTTTGTGTGCCTCCTGCTCCTGGTAAGGCCCCCAGCAAAACTTCAGGGGTACCTA-3'

ClinVar aggregate classification (germline): Likely pathogenic (1 of 4 stars; one submission).

Conditions:
Long chain 3-hydroxyacyl-CoA dehydrogenase deficiency. Also called: LCHAD Deficiency; Deficiency of long-chain 3-hydroxyacyl-coenzyme A dehydrogenase. Identifiers: Orphanet 5, MedGen C3711645, MONDO:0012173, OMIM 609016.

Submission:

Myriad Genetics, Inc.
Classification: Likely pathogenic for Long chain 3-hydroxyacyl-CoA dehydrogenase deficiency. Last evaluated: 2022-03-17. Review status: criteria provided, single submitter. Criteria: Myriad Autosomal Dominant, Autosomal Recessive and X-Linked Classification Criteria (2023). Collection method: clinical testing. Allele origin: unknown.
Comment: NM_000182.4(HADHA):c.566_567delCCinsA(P189Qfs*12) is expected to be pathogenic in the context of HADHA-related disorders. This variant is predicted to lead to an abnormal or absent protein product due to the creation of a premature termination codon in HADHA, a gene where loss-of-function variants are known to be pathogenic. Please note: this variant was assessed in the context of healthy population screening.